The following is an entry in ClinVar:

ClinVar aggregate classification (germline): Uncertain significance. Review status: criteria provided, multiple submitters, no conflicts (2 of 4 stars). 2 submissions from 2 submitters: Uncertain significance (2). Last evaluated 2025-11-26.

Conditions:
Familial focal epilepsy with variable foci (FPEVF). Identifiers: Orphanet 98820, MedGen C1858477, MONDO:0020310.
Inborn genetic diseases. Identifiers: MedGen C0950123, MeSH D030342.

Allele frequency attached by ClinVar (database versions not stated): gnomAD exomes below 0.00001.
gnomAD v4.1: 2 of 1,614,208 alleles (0.00012%); highest among the groups gnomAD compares: Admixed American, 0.0017%; no homozygotes.

Submissions (2):

Ambry Genetics
Classification: Uncertain significance for Inborn genetic diseases. Last evaluated: 2025-11-26. Review status: criteria provided, single submitter. Criteria: Ambry Variant Classification Scheme 2023. Collection method: clinical testing. Allele origin: germline.
Comment: The c.1934G>A (p.G645D) alteration is located in exon 23 (coding exon 22) of the DEPDC5 gene. This alteration results from a G to A substitution at nucleotide position 1934, causing the glycine (G) at amino acid position 645 to be replaced by an aspartic acid (D). Based on data from gnomAD, the A allele has an overall frequency of <0.001% (1/249202) total alleles studied. The highest observed frequency was 0.003% (1/34526) of Latino alleles. Based on insufficient or conflicting evidence, the clinical significance of this alteration remains unclear.

Labcorp Genetics (formerly Invitae), Labcorp
Classification: Uncertain significance for Familial focal epilepsy with variable foci. Last evaluated: 2023-02-16. Review status: criteria provided, single submitter. Criteria: Invitae Variant Classification Sherloc (09022015). Collection method: clinical testing. Allele origin: germline.
Comment: In summary, the available evidence is currently insufficient to determine the role of this variant in disease. Therefore, it has been classified as a Variant of Uncertain Significance. Experimental studies and prediction algorithms are not available or were not evaluated, and the functional significance of this variant is currently unknown. ClinVar contains an entry for this variant (Variation ID: 1056102). This variant has not been reported in the literature in individuals affected with DEPDC5-related conditions. This variant is present in population databases (no rsID available, gnomAD 0.003%). This sequence change replaces glycine, which is neutral and non-polar, with aspartic acid, which is acidic and polar, at codon 645 of the DEPDC5 protein (p.Gly645Asp).

NM_001242896.3(DEPDC5):c.1934G>A (p.Gly645Asp)

Gene: DEPDC5 (DEP domain containing 5, GATOR1 subcomplex subunit; plus strand). Cytogenetic location: 22q12.3.
Variant type: single nucleotide variant.
Coding change: c.1934G>A on transcript NM_001242896.3 (MANE Select); coding-DNA position 1934, G replaced by A.
Protein change: p.Gly645Asp; replaces glycine 645 with aspartic acid.
Molecular consequence: missense variant. On other transcripts: non-coding transcript variant (4), intron variant (3).
Genome position (GRCh38, 1-based): chr22:31,821,565, G>A. VCF-style: chr22-31821565-G-A. GRCh37 (hg19) VCF-style: chr22-32217551-G-A.
Other names: c.1934G>A, p.Gly645Asp (NM_001136029.4, NM_001363852.2, NM_001364318.2 and 3 more transcripts); c.1850G>A, p.Gly617Asp (NM_001369901.1, NM_001369902.1); c.1870+2340G>A (NM_001363854.2, NM_001242897.2, NM_001364319.2); c.1934G>A (NM_001242896.1); short protein forms G617D, G645D.
Identifiers: ClinVar variation 1056102 (VCV001056102.10), dbSNP rs1342507454, ClinGen allele CA411281930.